The following is an entry in ClinVar:

ClinVar aggregate classification (germline): Conflicting classifications of pathogenicity. Review status: criteria provided, conflicting classifications (1 of 4 stars). 6 submissions from 6 submitters: Uncertain significance (1); Likely benign (4). 1 of the submissions does not count toward it. Last evaluated 2025-11-21.

Conditions:
Ehlers-Danlos syndrome, kyphoscoliotic type 1 (EDSKSCL1). Also called: EHLERS-DANLOS SYNDROME, OCULAR-SCOLIOTIC TYPE; Ehlers-Danlos syndrome, hydroxylysine-deficient; PLOD1-Related Kyphoscoliotic Ehlers-Danlos Syndrome; EHLERS-DANLOS SYNDROME, TYPE VIA. Identifiers: Orphanet 1900, MedGen C0268342, MONDO:0016002, OMIM 225400. Disease mechanism: loss of function.
PLOD1-related disorder. Also called: PLOD1-related condition.

Allele frequency attached by ClinVar (database versions not stated): ExAC 0.00003; gnomAD 0.00003; gnomAD exomes 0.00003; TOPMed 0.00004.
gnomAD v4.1: 79 of 1,613,866 alleles (0.0049%); highest among the groups gnomAD compares: Non-Finnish European, 0.0065%; no homozygotes.

Submissions (6):

Labcorp Genetics (formerly Invitae), Labcorp
Classification: Likely benign for Ehlers-Danlos syndrome, kyphoscoliotic type 1. Last evaluated: 2025-11-21. Review status: criteria provided, single submitter. Criteria: Invitae Variant Classification Sherloc (09022015). Collection method: clinical testing. Allele origin: germline.

Blueprint Genetics
Classification: Likely benign. Last evaluated: 2024-09-17. Review status: criteria provided, single submitter. Criteria: ACMG Guidelines, 2015. Collection method: clinical testing. Allele origin: germline.

Women's Health and Genetics/Laboratory Corporation of America, LabCorp
Classification: Likely benign. Last evaluated: 2024-07-28. Review status: criteria provided, single submitter. Criteria: LabCorp Variant Classification Summary - May 2015. Collection method: clinical testing. Allele origin: germline.

ARUP Laboratories, Molecular Genetics and Genomics, ARUP Laboratories
Classification: Likely benign for Ehlers-Danlos syndrome, kyphoscoliotic type 1. Last evaluated: 2023-05-08. Review status: criteria provided, single submitter. Criteria: ARUP Molecular Germline Variant Investigation Process 2024. Collection method: clinical testing. Allele origin: germline.

Illumina Laboratory Services, Illumina
Classification: Uncertain significance for Ehlers-Danlos syndrome, kyphoscoliotic type 1. Last evaluated: 2018-01-12. Review status: criteria provided, single submitter. Criteria: ICSL Variant Classification Criteria 13 December 2019. Collection method: clinical testing. Allele origin: germline.

PreventionGenetics, part of Exact Sciences
Classification: Likely benign for PLOD1-related condition. Last evaluated: 2022-04-14. Review status: no assertion criteria provided. Collection method: clinical testing. Allele origin: germline. Not counted in ClinVar's aggregate classification.
Comment: This variant is classified as likely benign based on ACMG/AMP sequence variant interpretation guidelines (Richards et al. 2015 PMID: 25741868, with internal and published modifications).

NM_000302.4(PLOD1):c.303-10C>T

Gene: PLOD1 (procollagen-lysine,2-oxoglutarate 5-dioxygenase 1; plus strand). Cytogenetic location: 1p36.22.
Variant type: single nucleotide variant.
Coding change: c.303-10C>T on transcript NM_000302.4 (MANE Select); 10 bases into the intron before coding-DNA position 303, C replaced by T.
Molecular consequence: intron variant.
Genome position (GRCh38, 1-based): chr1:11,950,347, C>T. VCF-style: chr1-11950347-C-T. GRCh37 (hg19) VCF-style: chr1-12010404-C-T.
Other names: c.444-10C>T (NM_001316320.2).
Identifiers: ClinVar variation 529354 (VCV000529354.21), dbSNP rs750987724, ClinGen allele CA597868.
Genomic context (GRCh38, chr1:11,950,347, plus strand): 5'-CCTGTCTGTGCCCTCACTGGGCCCCTGCTCACCCTTGCCCTGCTCCGTCTTCTCGCTGCT[C>T]TGGCCACAGCTATGACGTGCTGTTTGCATCGGGGCCCCGGGAGCTCCTGAAGAAGTTCCG-3'